The following is an entry in ClinVar:

ClinVar aggregate classification (germline): Uncertain significance (1 of 4 stars; one submission).

Conditions:
Developmental and epileptic encephalopathy, 53. Also called: Epileptic encephalopathy, early infantile, 53. Identifiers: MedGen C4479313, MONDO:0033362, OMIM 617389.
Early-onset Parkinson disease 20. Also called: PARKINSON DISEASE 20, AUTOSOMAL RECESSIVE EARLY-ONSET. Identifiers: Orphanet 391411, MedGen C3809824, MONDO:0014233, OMIM 615530.

Allele frequency attached by ClinVar (database versions not stated): ExAC 0.00001; gnomAD exomes 0.00001 and 0.00004; TOPMed 0.00001; gnomAD 0.00003; ESP Exome Variant Server 0.00008.
gnomAD v4.1: 58 of 1,613,412 alleles (0.0036%); highest among the groups gnomAD compares: Non-Finnish European, 0.0048%; no homozygotes.

Submission:

Labcorp Genetics (formerly Invitae), Labcorp
Classification: Uncertain significance for Developmental and epileptic encephalopathy, 53; Early-onset Parkinson disease 20. Last evaluated: 2022-07-12. Review status: criteria provided, single submitter. Criteria: Invitae Variant Classification Sherloc (09022015). Collection method: clinical testing. Allele origin: germline.
Comment: This sequence change replaces phenylalanine, which is neutral and non-polar, with valine, which is neutral and non-polar, at codon 507 of the SYNJ1 protein (p.Phe507Val). This variant is present in population databases (rs376762817, gnomAD 0.004%). This variant has not been reported in the literature in individuals affected with SYNJ1-related conditions. ClinVar contains an entry for this variant (Variation ID: 1436977). Algorithms developed to predict the effect of missense changes on protein structure and function are either unavailable or do not agree on the potential impact of this missense change (SIFT: "Tolerated"; PolyPhen-2: "Probably Damaging"; Align-GVGD: "Class C0"). In summary, the available evidence is currently insufficient to determine the role of this variant in disease. Therefore, it has been classified as a Variant of Uncertain Significance.

NM_203446.3(SYNJ1):c.1402T>G (p.Phe468Val)

Gene: SYNJ1 (synaptojanin 1; minus strand). Cytogenetic location: 21q22.11.
Variant type: single nucleotide variant.
Coding change: c.1402T>G on transcript NM_203446.3 (MANE Select); coding-DNA position 1402, T replaced by G.
Protein change: p.Phe468Val; replaces phenylalanine 468 with valine.
Molecular consequence: missense variant.
Genome position (GRCh38, 1-based): chr21:32,678,753, A>C on the plus strand (T>G on the coding strand, the complement: SYNJ1 is on the minus strand). VCF-style: chr21-32678753-A-C. GRCh37 (hg19) VCF-style: chr21-34051063-A-C.
Other names: c.1402T>G, p.Phe468Val (NM_001160302.2); c.1411T>G, p.Phe471Val (NM_001160306.2); c.1519T>G, p.Phe507Val (NM_003895.4); short protein forms F468V, F471V, F507V.
Identifiers: ClinVar variation 1436977 (VCV001436977.3), dbSNP rs376762817, ClinGen allele CA10003903.
Genomic context (GRCh38, chr21:32,678,753, plus strand): 5'-CACTATTCAGAGTATTTCCCAGTAGCAAAACATCAATGGCCTCTTGCTTGGAGCTGTCAA[A>C]GAAGTTATTCTGAATTGTTCGGGTAACAGAGCGAGCACCATCTTTTAACTTTCCAGCCTG-3'
Protein context (NP_982271.3, residues 458-478): SVTRTIQNNF[Phe468Val]DSSKQEAIDV